The following is an entry in ClinVar:

NM_000748.3(CHRNB2):c.1432T>C (p.Phe478Leu)

Gene: CHRNB2 (cholinergic receptor nicotinic beta 2 subunit; plus strand). Cytogenetic location: 1q21.3.
Variant type: single nucleotide variant.
Coding change: c.1432T>C on transcript NM_000748.3 (MANE Select); coding-DNA position 1432, T replaced by C.
Protein change: p.Phe478Leu; replaces phenylalanine 478 with leucine.
Molecular consequence: missense variant.
Genome position (GRCh38, 1-based): chr1:154,575,855, T>C. VCF-style: chr1-154575855-T-C. GRCh37 (hg19) VCF-style: chr1-154548331-T-C.
Other names: p.F478L:TTC>CTC; p.Phe478Leu; short protein forms F478L.
Identifiers: ClinVar variation 158332 (VCV000158332.35), dbSNP rs79137415, ClinGen allele CA271354.

ClinVar aggregate classification (germline): Benign/Likely benign. Review status: criteria provided, multiple submitters, no conflicts (2 of 4 stars). 11 submissions from 11 submitters: Benign (7); Likely benign (3). 1 of the submissions does not count toward it. Last evaluated 2026-08-01.

Conditions:
CHRNB2-related disorder. Also called: CHRNB2-related condition.
Familial sleep-related hypermotor epilepsy. Also called: Autosomal Dominant Sleep-Related Hypermotor (Hyperkinetic) Epilepsy. Identifiers: Orphanet 98784, MedGen C3696898, MONDO:0000030.
Inborn genetic diseases. Identifiers: MedGen C0950123, MeSH D030342.
Autosomal dominant nocturnal frontal lobe epilepsy 3. Also called: CHRNB2-Related Nocturnal Frontal Lobe Epilepsy, Autosomal Dominant. Identifiers: Orphanet 98784, MedGen C1854335, MONDO:0011545, OMIM 605375.

Allele frequency attached by ClinVar (database versions not stated): ESP Exome Variant Server 0.00023; gnomAD 0.00081 and 0.00084; gnomAD exomes 0.00092 and 0.00458; TOPMed 0.00229; ExAC 0.00353.
gnomAD v4.1: 1,427 of 1,614,134 alleles (0.088%); highest among the groups gnomAD compares: Admixed American, 2.3%; 39 homozygotes.

Submissions (11):

CeGaT Center for Human Genetics Tuebingen
Classification: Benign. Last evaluated: 2026-08-01. Review status: criteria provided, single submitter. Criteria: CeGaT Center For Human Genetics Tuebingen Variant Classification Criteria Version 2. Collection method: clinical testing. Allele origin: germline. Affected: yes. Observed: 9 variant alleles.
Comment: CHRNB2: BS1, BS2

Labcorp Genetics (formerly Invitae), Labcorp
Classification: Benign. Last evaluated: 2026-02-03. Review status: criteria provided, single submitter. Criteria: Invitae Variant Classification Sherloc (09022015). Collection method: clinical testing. Allele origin: germline.

Fulgent Genetics
Classification: Likely benign for Autosomal dominant nocturnal frontal lobe epilepsy 3. Last evaluated: 2022-01-07. Review status: criteria provided, single submitter. Criteria: ACMG Guidelines, 2015. Collection method: clinical testing. Allele origin: unknown.

Mayo Clinic Laboratories, Mayo Clinic
Classification: Benign. Last evaluated: 2019-11-26. Review status: criteria provided, single submitter. Criteria: ACMG Guidelines, 2015. Collection method: clinical testing. Allele origin: germline. Observed: 3 variant alleles.

Center for Pediatric Genomic Medicine, Children's Mercy Hospital and Clinics
Classification: Likely benign. Last evaluated: 2017-08-31. Review status: criteria provided, single submitter. Criteria: ACMG Guidelines, 2015. Collection method: clinical testing. Allele origin: germline.

GeneDx
Classification: Benign. Last evaluated: 2017-03-08. Review status: criteria provided, single submitter. Criteria: GeneDx Variant Classification (06012015). Collection method: clinical testing. Allele origin: germline. Affected: yes.
Comment: This variant is considered likely benign or benign based on one or more of the following criteria: it is a conservative change, it occurs at a poorly conserved position in the protein, it is predicted to be benign by multiple in silico algorithms, and/or has population frequency not consistent with disease.

Genetic Services Laboratory, University of Chicago
Classification: Benign. Last evaluated: 2016-09-27. Review status: criteria provided, single submitter. Criteria: ACMG Guidelines, 2015. Collection method: clinical testing. Allele origin: germline. Affected: no.

Ambry Genetics
Classification: Benign for Inborn genetic diseases. Last evaluated: 2016-06-13. Review status: criteria provided, single submitter. Criteria: Ambry Variant Classification Scheme 2023. Collection method: clinical testing. Allele origin: germline.

Eurofins Ntd Llc (ga)
Classification: Likely benign. Last evaluated: 2014-10-10. Review status: criteria provided, single submitter. Criteria: EGL Classification Definitions 2015. Collection method: clinical testing. Allele origin: germline. Observed: 3 variant alleles, 3 heterozygotes.

Broad Center for Mendelian Genomics, Broad Institute of MIT and Harvard
Classification: Benign for Autosomal dominant nocturnal frontal lobe epilepsy 3. Review status: criteria provided, single submitter. Criteria: ACMG Guidelines, 2015. Collection method: research. Allele origin: germline. Inheritance: Autosomal dominant inheritance. Affected: yes.
Comment: The heterozygous p.Phe478Leu variant in CHRNB2 has been identified in at least 1 individual with unexplained epilepsy (PMID: 21703448), but has also been identified in >3% of Latino chromosomes and 11 homozygotes by ExAC. In summary, this variant meets criteria to be classified as benign for autosomal dominant idiopathic epilepsy.

PreventionGenetics, part of Exact Sciences
Classification: Benign for CHRNB2-related condition. Last evaluated: 2019-04-29. Review status: no assertion criteria provided. Collection method: clinical testing. Allele origin: germline. Not counted in ClinVar's aggregate classification.
Comment: This variant is classified as benign based on ACMG/AMP sequence variant interpretation guidelines (Richards et al. 2015 PMID: 25741868, with internal and published modifications).

Literature cited by the submitters: PubMed 21703448 (cited by Eurofins Ntd Llc (ga) and Broad Center for Mendelian Genomics, Broad Institute of MIT and Harvard).